The following is an entry in ClinVar:

ClinVar aggregate classification (germline): Uncertain significance. Review status: criteria provided, multiple submitters, no conflicts (2 of 4 stars). 2 submissions from 2 submitters: Uncertain significance (2). Last evaluated 2021-12-02.

Conditions:
Congenital hyperammonemia, type I. Also called: Carbamoyl phosphate synthetase 1 deficiency; Hyperammonemia due to carbamoyl phosphate synthetase 1 deficiency; CPS 1 deficiency; Carbamyl phosphate synthetase (CPS) deficiency; Carbamoyl phosphate synthetase I deficiency disease; Carbamoyl-phosphate synthase I deficiency. Identifiers: Orphanet 147, MedGen C4082171, MONDO:0009376, OMIM 237300.

Allele frequency attached by ClinVar (database versions not stated): TOPMed 0.00003; gnomAD exomes 0.00004 and 0.00005; ExAC 0.00006.
gnomAD v4.1: 65 of 1,613,888 alleles (0.004%); highest among the groups gnomAD compares: East Asian, 0.074%; no homozygotes.

Submissions (2):

Labcorp Genetics (formerly Invitae), Labcorp
Classification: Uncertain significance for Congenital hyperammonemia, type I. Last evaluated: 2021-12-02. Review status: criteria provided, single submitter. Criteria: Invitae Variant Classification Sherloc (09022015). Collection method: clinical testing. Allele origin: germline.
Comment: This sequence change replaces alanine, which is neutral and non-polar, with threonine, which is neutral and polar, at codon 1180 of the CPS1 protein (p.Ala1180Thr). This variant is present in population databases (rs776047286, gnomAD 0.03%). This missense change has been observed in individual(s) with carbamoyl phosphate synthetase I deficiency (PMID: 27150549). ClinVar contains an entry for this variant (Variation ID: 1210387). Algorithms developed to predict the effect of missense changes on protein structure and function are either unavailable or do not agree on the potential impact of this missense change (SIFT: "Deleterious"; PolyPhen-2: "Probably Damaging"; Align-GVGD: "Class C0"). In summary, the available evidence is currently insufficient to determine the role of this variant in disease. Therefore, it has been classified as a Variant of Uncertain Significance.

Genome-Nilou Lab
Classification: Uncertain significance for Congenital hyperammonemia, type I. Last evaluated: 2021-07-22. Review status: criteria provided, single submitter. Criteria: ACMG Guidelines, 2015. Collection method: clinical testing. Allele origin: germline. Affected: no.

Literature cited by the submitters: PubMed 27150549 (cited by Labcorp Genetics (formerly Invitae), Labcorp).

NM_001875.5(CPS1):c.3538G>A (p.Ala1180Thr)

Gene: CPS1 (carbamoyl-phosphate synthase 1; plus strand). Cytogenetic location: 2q34.
Variant type: single nucleotide variant.
Coding change: c.3538G>A on transcript NM_001875.5 (MANE Select); coding-DNA position 3538, G replaced by A.
Protein change: p.Ala1180Thr; replaces alanine 1180 with threonine.
Molecular consequence: missense variant. On other transcripts: non-coding transcript variant (2).
Genome position (GRCh38, 1-based): chr2:210,654,082, G>A. VCF-style: chr2-210654082-G-A. GRCh37 (hg19) VCF-style: chr2-211518806-G-A.
Other names: c.3538G>A, p.Ala1180Thr (NM_001122633.3, NM_001369257.1); c.3571G>A, p.Ala1191Thr (NM_001369256.1); short protein forms A1180T, A1191T.
Identifiers: ClinVar variation 1210387 (VCV001210387.6), dbSNP rs776047286, ClinGen allele CA2086978.